The following is an entry in ClinVar:

NM_001042472.3(ABHD12):c.750-4C>G

Gene: ABHD12 (abhydrolase domain containing 12, lysophospholipase; minus strand). Cytogenetic location: 20p11.21.
Variant type: single nucleotide variant.
Coding change: c.750-4C>G on transcript NM_001042472.3 (MANE Select); 4 bases into the intron before coding-DNA position 750, C replaced by G.
Molecular consequence: intron variant.
Genome position (GRCh38, 1-based): chr20:25,308,498, G>C on the plus strand (C>G on the coding strand, the complement: ABHD12 is on the minus strand). VCF-style: chr20-25308498-G-C. GRCh37 (hg19) VCF-style: chr20-25289134-G-C.
Other names: c.750-4C>G (NM_015600.5).
Identifiers: ClinVar variation 867093 (VCV000867093.4), dbSNP rs1369525695, ClinGen allele CA742457055.
Genomic context (GRCh38, chr20:25,308,498, plus strand): 5'-GGCCCAACAAGGCACTCACCTCGCTCACAGAGGCGCCGCACCAGATTTGTCGCCACGCTA[G>C]GAAAAAAGAAAAACAGCTTAGTTGAGTTATGATAAAATTGTTTGAGATGATATGGGCCTT-3'

ClinVar aggregate classification (germline): Uncertain significance. Review status: criteria provided, single submitter (1 of 4 stars). 2 submissions from 2 submitters: Uncertain significance (1). 1 of the submissions does not count toward it. Last evaluated 2019-02-08.

Conditions:
ABHD12-related disorder. Also called: ABHD12-related condition.

Allele frequency attached by ClinVar (database versions not stated): TOPMed below 0.00001; gnomAD 0.00001.
gnomAD v4.1: 2 of 1,609,414 alleles (0.00012%); highest among the groups gnomAD compares: Non-Finnish European, 0.00017%; no homozygotes.

Submissions (2):

Blueprint Genetics
Classification: Uncertain significance. Last evaluated: 2019-02-08. Review status: criteria provided, single submitter. Criteria: ACMG Guidelines, 2015. Collection method: clinical testing. Allele origin: germline.

PreventionGenetics, part of Exact Sciences
Classification: Likely benign for ABHD12-related condition. Last evaluated: 2022-04-29. Review status: no assertion criteria provided. Collection method: clinical testing. Allele origin: germline. Not counted in ClinVar's aggregate classification.
Comment: This variant is classified as likely benign based on ACMG/AMP sequence variant interpretation guidelines (Richards et al. 2015 PMID: 25741868, with internal and published modifications).